The following is an entry in ClinVar:

ClinVar aggregate classification (germline): Benign/Likely benign. Review status: criteria provided, multiple submitters, no conflicts (2 of 4 stars). 7 submissions from 7 submitters: Benign (4); Likely benign (3). Last evaluated 2026-07-01.

Conditions:
HUWE1-related disorder. Also called: HUWE1-related condition.
Inborn genetic diseases. Identifiers: MedGen C0950123, MeSH D030342.

Allele frequency attached by ClinVar (database versions not stated): gnomAD exomes 0.00013 and 0.00022; ExAC 0.00019; gnomAD 0.00058 and 0.00059; 1000 Genomes Project 30x 0.00083; ESP Exome Variant Server 0.00085; TOPMed 0.00094; 1000 Genomes Project 0.00106.
gnomAD v4.1: 252 of 1,209,753 alleles (0.021%); highest among the groups gnomAD compares: African/African-American, 0.29%; 1 homozygote.

Submissions (7):

CeGaT Center for Human Genetics Tuebingen
Classification: Likely benign. Last evaluated: 2026-07-01. Review status: criteria provided, single submitter. Criteria: CeGaT Center For Human Genetics Tuebingen Variant Classification Criteria Version 2. Collection method: clinical testing. Allele origin: germline. Affected: yes. Observed: 2 variant alleles.
Comment: HUWE1: BP4, BP7, BS2

Labcorp Genetics (formerly Invitae), Labcorp
Classification: Benign. Last evaluated: 2025-12-13. Review status: criteria provided, single submitter. Criteria: Invitae Variant Classification Sherloc (09022015). Collection method: clinical testing. Allele origin: germline.

PreventionGenetics, part of Exact Sciences
Classification: Likely benign for HUWE1-related condition. Last evaluated: 2025-06-03. Review status: criteria provided, single submitter. Criteria: ACMG Guidelines, 2015. Collection method: clinical testing. Allele origin: germline.
Comment: This variant is classified as likely benign based on ACMG/AMP sequence variant interpretation guidelines (Richards et al. 2015 PMID: 25741868, with internal and published modifications).

Blueprint Genetics
Classification: Likely benign. Last evaluated: 2024-10-08. Review status: criteria provided, single submitter. Criteria: ACMG Guidelines, 2015. Collection method: clinical testing. Allele origin: germline.

Genetic Services Laboratory, University of Chicago
Classification: Benign. Last evaluated: 2017-11-03. Review status: criteria provided, single submitter. Criteria: ACMG Guidelines, 2015. Collection method: clinical testing. Allele origin: germline. Affected: no.

Ambry Genetics
Classification: Benign for Inborn genetic diseases. Last evaluated: 2017-10-30. Review status: criteria provided, single submitter. Criteria: Ambry Variant Classification Scheme 2023. Collection method: clinical testing. Allele origin: germline.

GeneDx
Classification: Benign. Last evaluated: 2015-03-03. Review status: criteria provided, single submitter. Criteria: GeneDx Variant Classification Process June 2021. Collection method: clinical testing. Allele origin: germline. Affected: yes.

NM_031407.7(HUWE1):c.9213T>C (p.Arg3071=)

Gene: HUWE1 (HECT, UBA and WWE domain containing E3 ubiquitin protein ligase 1; minus strand). Cytogenetic location: Xp11.22.
Variant type: single nucleotide variant.
Coding change: c.9213T>C on transcript NM_031407.7 (MANE Select); coding-DNA position 9213, T replaced by C.
Protein change: p.Arg3071=; no amino-acid change (arginine 3071 retained).
Molecular consequence: synonymous variant.
Genome position (GRCh38, 1-based): chrX:53,551,073, A>G on the plus strand (T>C on the coding strand, the complement: HUWE1 is on the minus strand). VCF-style: chrX-53551073-A-G. GRCh37 (hg19) VCF-style: chrX-53578034-A-G.
Identifiers: ClinVar variation 717763 (VCV000717763.20), dbSNP rs112038748, ClinGen allele CA10421698.